The following is an entry in ClinVar:

ClinVar aggregate classification (germline): Likely pathogenic. Review status: criteria provided, single submitter (1 of 4 stars). 2 submissions from 2 submitters: Likely pathogenic (1). 1 of the submissions does not count toward it. Last evaluated 2024-04-01.

Conditions:
Nephronophthisis 14 (NPHP14). Identifiers: Orphanet 2318, MedGen C3539071, MONDO:0013916, OMIM 614844.
ZNF423-related disorder. Also called: ZNF423-related condition.

Allele frequency attached by ClinVar (database versions not stated): gnomAD exomes below 0.00001.
gnomAD v4.1: 1 of 1,613,970 alleles (0.000062%); highest among the groups gnomAD compares: Non-Finnish European, 0.000085%; no homozygotes.

Submissions (2):

Daryl Scott Lab, Baylor College of Medicine
Classification: Likely pathogenic for ZNF423-related disorder. Last evaluated: 2024-04-01. Review status: criteria provided, single submitter. Criteria: ACMG Guidelines, 2015. Collection method: clinical testing. Allele origin: de novo. Observed: 1 heterozygote.
Comment: PS2, PM2

Baylor Genetics
Classification: Likely pathogenic for Nephronophthisis 14. Last evaluated: 2017-12-31. Review status: flagged submission. Criteria: ACMG Guidelines, 2015. Collection method: clinical testing. Allele origin: germline. Affected: yes. Not counted in ClinVar's aggregate classification.
ClinVar note: Notes: Flagging candidate with reason of insufficient supporting evidence. This gene has been classified as having a limited gene-disease relationship by a ClinGen Expert Panel.
ClinVar note: Reason: Other

NM_001379286.1(ZNF423):c.2555G>A (p.Gly852Glu)

Gene: ZNF423 (zinc finger protein 423; minus strand). Cytogenetic location: 16q12.1.
Variant type: single nucleotide variant.
Coding change: c.2555G>A on transcript NM_001379286.1 (MANE Select); coding-DNA position 2555, G replaced by A.
Protein change: p.Gly852Glu; replaces glycine 852 with glutamic acid.
Molecular consequence: missense variant.
Genome position (GRCh38, 1-based): chr16:49,636,621, C>T on the plus strand (G>A on the coding strand, the complement: ZNF423 is on the minus strand). VCF-style: chr16-49636621-C-T. GRCh37 (hg19) VCF-style: chr16-49670532-C-T.
Other names: c.2351G>A, p.Gly784Glu (NM_001271620.2); c.2180G>A, p.Gly727Glu (NM_001330533.2); c.2531G>A, p.Gly844Glu (NM_015069.5); short protein forms G784E, G844E, G727E, G852E.
Identifiers: ClinVar variation 689798 (VCV000689798.2), dbSNP rs1596759273, ClinGen allele CA395842494.
Genomic context (GRCh38, chr16:49,636,621, plus strand): 5'-TTAAGCAGCATGCCCTGCAGGTCAGCAGGCTCAGCTTTCTTGGTGGCCATTGGGGGTACC[C>T]CATTGGCCGTGCCGTTCTCGGTCGCAGCATCAAACACACAGTGCTTCTCCCGCAGGTGCT-3'
Protein context (NP_001366215.1, residues 842-862): DAATENGTAN[Gly852Glu]VPPMATKKAE